The following is an entry in ClinVar:

NM_021075.4(NDUFV3):c.903G>A (p.Ala301=)

Gene: NDUFV3 (NADH:ubiquinone oxidoreductase subunit V3; plus strand). Cytogenetic location: 21q22.3.
Variant type: single nucleotide variant.
Coding change: c.903G>A on transcript NM_021075.4 (MANE Select); coding-DNA position 903, G replaced by A.
Protein change: p.Ala301=; no amino-acid change (alanine 301 retained).
Molecular consequence: synonymous variant. On other transcripts: intron variant (1).
Genome position (GRCh38, 1-based): chr21:42,903,915, G>A. VCF-style: chr21-42903915-G-A. GRCh37 (hg19) VCF-style: chr21-44324025-G-A.
Other names: c.170-4949G>A (NM_001001503.2).
Identifiers: ClinVar variation 3051500 (VCV003051500.2), dbSNP rs62000418, ClinGen allele CA10046587.

ClinVar aggregate classification (germline): Likely benign (0 of 4 stars; one submission).

Conditions:
NDUFV3-related disorder. Also called: NDUFV3-related condition.

Allele frequency attached by ClinVar (database versions not stated): 1000 Genomes Project 30x 0.00062; 1000 Genomes Project 0.00080; gnomAD 0.00145; ExAC 0.00158; ESP Exome Variant Server 0.00185.
gnomAD v4.1: 3,303 of 1,611,536 alleles (0.2%); highest among the groups gnomAD compares: South Asian, 0.28%; 8 homozygotes.

Submission:

PreventionGenetics, part of Exact Sciences
Classification: Likely benign for NDUFV3-related condition. Last evaluated: 2020-01-20. Review status: no assertion criteria provided. Collection method: clinical testing. Allele origin: germline.
Comment: This variant is classified as likely benign based on ACMG/AMP sequence variant interpretation guidelines (Richards et al. 2015 PMID: 25741868, with internal and published modifications).